The following is an entry in ClinVar:

ClinVar aggregate classification (germline): Likely benign. Review status: criteria provided, single submitter (1 of 4 stars). 2 submissions from 2 submitters: Likely benign (1). 1 of the submissions does not count toward it. Last evaluated 2023-05-25.

Conditions:
Generalized epilepsy-paroxysmal dyskinesia syndrome (PNKD3). Also called: Generalized epilepsy and paroxysmal dyskinesia; Paroxysmal nonkinesigenic dyskinesia, 3, with or without generalized epilepsy. Identifiers: Orphanet 79137, MedGen C5574945, MONDO:0012276, OMIM 609446.
KCNMA1-related disorder. Also called: KCNMA1-related condition; KCNMA1-related disorders.

gnomAD v4.1: 7 of 1,613,978 alleles (0.00043%); highest among the groups gnomAD compares: Non-Finnish European, 0.00059%; no homozygotes.

Submissions (2):

Labcorp Genetics (formerly Invitae), Labcorp
Classification: Likely benign for Generalized epilepsy-paroxysmal dyskinesia syndrome. Last evaluated: 2023-05-25. Review status: criteria provided, single submitter. Criteria: Invitae Variant Classification Sherloc (09022015). Collection method: clinical testing. Allele origin: germline.

PreventionGenetics, part of Exact Sciences
Classification: Likely benign for KCNMA1-related condition. Last evaluated: 2023-02-28. Review status: no assertion criteria provided. Collection method: clinical testing. Allele origin: germline. Not counted in ClinVar's aggregate classification.
Comment: This variant is classified as likely benign based on ACMG/AMP sequence variant interpretation guidelines (Richards et al. 2015 PMID: 25741868, with internal and published modifications).

NM_001161352.2(KCNMA1):c.2481C>A (p.Ile827=)

Genes: KCNMA1-AS1 (KCNMA1 antisense RNA 1; plus strand), KCNMA1 (potassium calcium-activated channel subfamily M alpha 1; minus strand). Cytogenetic location: 10q22.3.
Variant type: single nucleotide variant.
Coding change: c.2481C>A on transcript NM_001161352.2 (MANE Select); coding-DNA position 2481, C replaced by A.
Protein change: p.Ile827=; no amino-acid change (isoleucine 827 retained).
Molecular consequence: synonymous variant.
Genome position (GRCh38, 1-based): chr10:76,953,804, G>T on the plus strand (C>A on the coding strand, the complement: KCNMA1 is on the minus strand). VCF-style: chr10-76953804-G-T. GRCh37 (hg19) VCF-style: chr10-78713562-G-T.
Other names: c.2307C>A (NM_002247.3); c.2319C>A, p.Ile773= (NM_001014797.3, NM_001322835.2, NM_001322837.2); c.2307C>A, p.Ile769= (NM_001161353.2, NM_001322832.2, NM_001410940.1 and 1 more transcripts); c.2157C>A, p.Ile719= (NM_001271518.2); c.2316C>A, p.Ile772= (NM_001271519.2, NM_001322829.2, NM_001322836.2); c.2328C>A, p.Ile776= (NM_001322830.2); c.1854C>A, p.Ile618= (NM_001322838.2).
Identifiers: ClinVar variation 2802309 (VCV002802309.5), dbSNP rs760789370, ClinGen allele CA470512470.